The following is an entry in ClinVar:

ClinVar aggregate classification (germline): Uncertain significance. Review status: criteria provided, multiple submitters, no conflicts (2 of 4 stars). 2 submissions from 2 submitters: Uncertain significance (2). Last evaluated 2021-09-16.

Conditions:
Inborn genetic diseases. Identifiers: MedGen C0950123, MeSH D030342.
Atrial fibrillation, familial, 7 (ATFB7). Identifiers: MedGen C2677106, MONDO:0012828, OMIM 612240.

Allele frequency attached by ClinVar (database versions not stated): gnomAD exomes below 0.00001 and 0.00002; ExAC 0.00002.

Submissions (2):

Labcorp Genetics (formerly Invitae), Labcorp
Classification: Uncertain significance for Atrial fibrillation, familial, 7. Last evaluated: 2021-09-16. Review status: criteria provided, single submitter. Criteria: Invitae Variant Classification Sherloc (09022015). Collection method: clinical testing. Allele origin: germline.
Comment: In summary, the available evidence is currently insufficient to determine the role of this variant in disease. Therefore, it has been classified as a Variant of Uncertain Significance. Algorithms developed to predict the effect of missense changes on protein structure and function output the following: SIFT: "Tolerated"; PolyPhen-2: "Benign"; Align-GVGD: "Class C0". The valine amino acid residue is found in multiple mammalian species, which suggests that this missense change does not adversely affect protein function. This variant has not been reported in the literature in individuals affected with KCNA5-related conditions. The frequency data for this variant in the population databases is considered unreliable, as metrics indicate poor data quality at this position in the ExAC database. This sequence change replaces isoleucine with valine at codon 359 of the KCNA5 protein (p.Ile359Val). The isoleucine residue is highly conserved and there is a small physicochemical difference between isoleucine and valine.

Ambry Genetics
Classification: Uncertain significance for Inborn genetic diseases. Last evaluated: 2021-08-12. Review status: criteria provided, single submitter. Criteria: Ambry Variant Classification Scheme 2023. Collection method: clinical testing. Allele origin: germline.

NM_002234.4(KCNA5):c.1075A>G (p.Ile359Val)

Gene: KCNA5 (potassium voltage-gated channel subfamily A member 5; plus strand). Cytogenetic location: 12p13.32.
Variant type: single nucleotide variant.
Coding change: c.1075A>G on transcript NM_002234.4 (MANE Select); coding-DNA position 1075, A replaced by G.
Protein change: p.Ile359Val; replaces isoleucine 359 with valine.
Molecular consequence: missense variant.
Genome position (GRCh38, 1-based): chr12:5,045,222, A>G. VCF-style: chr12-5045222-A-G. GRCh37 (hg19) VCF-style: chr12-5154388-A-G.
Other names: c.1075A>G (NM_002234.2); short protein forms I359V.
Identifiers: ClinVar variation 1381864 (VCV001381864.7), dbSNP rs747576822, ClinGen allele CA6399798.